The following is an entry in ClinVar:

NM_002839.4(PTPRD):c.978A>C (p.Pro326=)

Gene: PTPRD (protein tyrosine phosphatase receptor type D; minus strand). Cytogenetic location: 9p24.1.
Variant type: single nucleotide variant.
Coding change: c.978A>C on transcript NM_002839.4 (MANE Select); coding-DNA position 978, A replaced by C.
Protein change: p.Pro326=; no amino-acid change (proline 326 retained).
Molecular consequence: synonymous variant.
Genome position (GRCh38, 1-based): chr9:8,518,413, T>G on the plus strand (A>C on the coding strand, the complement: PTPRD is on the minus strand). VCF-style: chr9-8518413-T-G. GRCh37 (hg19) VCF-style: chr9-8518413-T-G.
Other names: c.969A>C, p.Pro323= (NM_001040712.2, NM_001377947.1); c.948A>C, p.Pro316= (NM_001171025.2); c.960A>C, p.Pro320= (NM_001377946.1, NM_130393.3); c.978A>C, p.Pro326= (NM_001377958.1, NM_001378058.1, NM_130391.4 and 1 more transcripts).
Identifiers: ClinVar variation 2659068 (VCV002659068.24), dbSNP rs561764901, ClinGen allele CA4984601.

ClinVar aggregate classification (germline): Likely benign (1 of 4 stars; one submission).

gnomAD v4.1: 188 of 1,605,146 alleles (0.012%); highest among the groups gnomAD compares: Non-Finnish European, 0.016%; no homozygotes.

Submission:

CeGaT Center for Human Genetics Tuebingen
Classification: Likely benign. Last evaluated: 2023-03-01. Review status: criteria provided, single submitter. Criteria: CeGaT Center For Human Genetics Tuebingen Variant Classification Criteria Version 2. Collection method: clinical testing. Allele origin: germline. Affected: yes. Observed: 1 variant allele.
Comment: PTPRD: BP4, BP7